The following is an entry in ClinVar:

NM_012414.4(RAB3GAP2):c.434+14A>G

Gene: RAB3GAP2 (RAB3 GTPase activating non-catalytic protein subunit 2; minus strand). Cytogenetic location: 1q41.
Variant type: single nucleotide variant.
Coding change: c.434+14A>G on transcript NM_012414.4 (MANE Select); 14 bases into the intron after coding-DNA position 434, A replaced by G.
Molecular consequence: intron variant.
Genome position (GRCh38, 1-based): chr1:220,210,941, T>C on the plus strand (A>G on the coding strand, the complement: RAB3GAP2 is on the minus strand). VCF-style: chr1-220210941-T-C. GRCh37 (hg19) VCF-style: chr1-220384283-T-C.
Identifiers: ClinVar variation 515511 (VCV000515511.1), dbSNP rs1026065056, ClinGen allele CA37951631.

ClinVar aggregate classification (germline): Likely benign (1 of 4 stars; one submission).

Allele frequency attached by ClinVar (database versions not stated): gnomAD exomes below 0.00001.
gnomAD v4.1: 2 of 1,613,996 alleles (0.00012%); highest among the groups gnomAD compares: Non-Finnish European, 0.00017%; no homozygotes.

Submission:

GeneDx
Classification: Likely benign. Last evaluated: 2018-02-22. Review status: criteria provided, single submitter. Criteria: GeneDx Variant Classification (06012015). Collection method: clinical testing. Allele origin: germline. Affected: yes.
Comment: This variant is considered likely benign or benign based on one or more of the following criteria: it is a conservative change, it occurs at a poorly conserved position in the protein, it is predicted to be benign by multiple in silico algorithms, and/or has population frequency not consistent with disease.